The following is an entry in ClinVar:

ClinVar aggregate classification (germline): Conflicting classifications of pathogenicity. Review status: criteria provided, conflicting classifications (1 of 4 stars). 3 submissions from 3 submitters: Uncertain significance (1); Likely benign (1). 1 of the submissions does not count toward it. Last evaluated 2026-01-14.

Conditions:
CHD7-related disorder. Also called: CHD7-related condition.
CHARGE syndrome (CHARGE). Also called: CHARGE ASSOCIATION--COLOBOMA, HEART ANOMALY, CHOANAL ATRESIA, RETARDATION, GENITAL AND EAR ANOMALIES; Hittner Hirsch Kreh syndrome; Coloboma, heart anomaly, choanal atresia, retardation, genital and ear anomalies; CHARGE association; Hall-Hittner syndrome. Identifiers: Orphanet 138, MedGen C0265354, MONDO:0008965.

Allele frequency attached by ClinVar (database versions not stated): TOPMed 0.00001; gnomAD 0.00001; gnomAD exomes 0.00003.

Submissions (3):

Labcorp Genetics (formerly Invitae), Labcorp
Classification: Likely benign for CHARGE syndrome. Last evaluated: 2026-01-14. Review status: criteria provided, single submitter. Criteria: Invitae Variant Classification Sherloc (09022015). Collection method: clinical testing. Allele origin: germline.

Eurofins Ntd Llc (ga)
Classification: Uncertain significance. Last evaluated: 2014-02-18. Review status: criteria provided, single submitter. Criteria: EGL Classification Definitions 2015. Collection method: clinical testing. Allele origin: germline. Observed: 1 variant allele, 1 heterozygote.

PreventionGenetics, part of Exact Sciences
Classification: Likely benign for CHD7-related condition. Last evaluated: 2023-09-08. Review status: no assertion criteria provided. Collection method: clinical testing. Allele origin: germline. Not counted in ClinVar's aggregate classification.
Comment: This variant is classified as likely benign based on ACMG/AMP sequence variant interpretation guidelines (Richards et al. 2015 PMID: 25741868, with internal and published modifications).

NM_017780.4(CHD7):c.768C>T (p.Phe256=)

Gene: CHD7 (chromodomain helicase DNA binding protein 7; plus strand). Cytogenetic location: 8q12.2.
Variant type: single nucleotide variant.
Coding change: c.768C>T on transcript NM_017780.4 (MANE Select); coding-DNA position 768, C replaced by T.
Protein change: p.Phe256=; no amino-acid change (phenylalanine 256 retained).
Molecular consequence: synonymous variant.
Genome position (GRCh38, 1-based): chr8:60,742,200, C>T. VCF-style: chr8-60742200-C-T. GRCh37 (hg19) VCF-style: chr8-61654759-C-T.
Other names: c.768C>T, p.Phe256= (NM_001316690.1); c.768C>T (NM_017780.3).
Identifiers: ClinVar variation 166855 (VCV000166855.14), dbSNP rs727503859, ClinGen allele CA233704.